The following is an entry in ClinVar:

NM_145059.3(FCSK):c.1428T>C (p.Pro476=)

Gene: FCSK (fucose kinase; plus strand). Cytogenetic location: 16q22.1.
Variant type: single nucleotide variant.
Coding change: c.1428T>C on transcript NM_145059.3 (MANE Select); coding-DNA position 1428, T replaced by C.
Protein change: p.Pro476=; no amino-acid change (proline 476 retained).
Molecular consequence: synonymous variant.
Genome position (GRCh38, 1-based): chr16:70,473,004, T>C. VCF-style: chr16-70473004-T-C. GRCh37 (hg19) VCF-style: chr16-70506907-T-C.
Other names: p.Pro476=; c.1428T>C (NM_145059.2).
Identifiers: ClinVar variation 1285285 (VCV001285285.14), dbSNP rs7192865, ClinGen allele CA8143342.

ClinVar aggregate classification (germline): Benign. Review status: criteria provided, multiple submitters, no conflicts (2 of 4 stars). 5 submissions from 5 submitters: Benign (4). 1 of the submissions does not count toward it. Last evaluated 2026-02-03.

Conditions:
FCSK-related disorder. Also called: FCSK-related condition.
Congenital disorder of glycosylation with defective fucosylation 2 (CDGF2). Identifiers: MedGen C5193028, MONDO:0020777, OMIM 618324.

Allele frequency attached by ClinVar (database versions not stated): ESP Exome Variant Server 0.57227; gnomAD 0.58503 and 0.59474; TOPMed 0.59835; 1000 Genomes Project 30x 0.59057; gnomAD exomes 0.51967; ExAC 0.55785; 1000 Genomes Project 0.57808.
gnomAD v4.1: 801,160 of 1,597,292 alleles (50%); highest among the groups gnomAD compares: African/African-American, 77%; 207,151 homozygotes.

Submissions (5):

Labcorp Genetics (formerly Invitae), Labcorp
Classification: Benign. Last evaluated: 2026-02-03. Review status: criteria provided, single submitter. Criteria: Invitae Variant Classification Sherloc (09022015). Collection method: clinical testing. Allele origin: germline.

Mayo Clinic Laboratories, Mayo Clinic
Classification: Benign. Last evaluated: 2022-04-14. Review status: criteria provided, single submitter. Criteria: ACMG Guidelines, 2015. Collection method: clinical testing. Allele origin: germline. Observed: 21 variant alleles.

Genome-Nilou Lab
Classification: Benign for Congenital disorder of glycosylation with defective fucosylation 2. Last evaluated: 2021-08-10. Review status: criteria provided, single submitter. Criteria: ACMG Guidelines, 2015. Collection method: clinical testing. Allele origin: germline. Affected: no.

Breakthrough Genomics
Classification: Benign. Review status: criteria provided, single submitter. Criteria: ACMG Guidelines, 2015. Collection method: not provided. Allele origin: germline. Inheritance: Autosomal recessive inheritance. Affected: yes.

PreventionGenetics, part of Exact Sciences
Classification: Benign for FCSK-related condition. Last evaluated: 2019-10-17. Review status: no assertion criteria provided. Collection method: clinical testing. Allele origin: germline. Not counted in ClinVar's aggregate classification.
Comment: This variant is classified as benign based on ACMG/AMP sequence variant interpretation guidelines (Richards et al. 2015 PMID: 25741868, with internal and published modifications).